The following is an entry in ClinVar:

NM_000539.3(RHO):c.937-2A>G

Gene: RHO (rhodopsin; plus strand). Cytogenetic location: 3q22.1.
Variant type: single nucleotide variant.
Coding change: c.937-2A>G on transcript NM_000539.3 (MANE Select); the canonical splice acceptor site of the intron before coding-DNA position 937, A replaced by G.
Molecular consequence: splice acceptor variant.
Genome position (GRCh38, 1-based): chr3:129,533,606, A>G. VCF-style: chr3-129533606-A-G. GRCh37 (hg19) VCF-style: chr3-129252449-A-G.
Identifiers: ClinVar variation 1213895 (VCV001213895.6), dbSNP rs1578281565, ClinGen allele CA354471064.

ClinVar aggregate classification (germline): Pathogenic/Likely pathogenic. Review status: criteria provided, multiple submitters, no conflicts (2 of 4 stars). 3 submissions from 3 submitters: Pathogenic (2); Likely pathogenic (1). Last evaluated 2023-10-01.

Conditions:
Retinal dystrophy. Also called: Inherited retinal dystrophy. Identifiers: Orphanet 71862, MedGen C0854723, MeSH D058499, MONDO:0019118, HP:0000556.
Retinitis pigmentosa 4 (RP4). Also called: RETINITIS PIGMENTOSA, RHODOPSIN-RELATED. Identifiers: Orphanet 791, MedGen C3151001, MONDO:0013395, OMIM 613731.

Submissions (3):

Dept Of Ophthalmology, Nagoya University
Classification: Likely pathogenic for Retinal dystrophy. Last evaluated: 2023-10-01. Review status: criteria provided, single submitter. Criteria: Submitter's publication. Collection method: research. Allele origin: germline. Affected: yes.

Labcorp Genetics (formerly Invitae), Labcorp
Classification: Pathogenic. Last evaluated: 2023-09-30. Review status: criteria provided, single submitter. Criteria: Invitae Variant Classification Sherloc (09022015). Collection method: clinical testing. Allele origin: germline.
Comment: For these reasons, this variant has been classified as Pathogenic. Variants that disrupt the consensus splice site are a relatively common cause of aberrant splicing (PMID: 17576681, 9536098). Algorithms developed to predict the effect of sequence changes on RNA splicing suggest that this variant may disrupt the consensus splice site. ClinVar contains an entry for this variant (Variation ID: 1213895). Disruption of this splice site has been observed in individuals with autosomal dominant retinitis pigmentosa (PMID: 7819178, 28045043). It has also been observed to segregate with disease in related individuals. This variant is not present in population databases (gnomAD no frequency). This sequence change affects an acceptor splice site in intron 4 of the RHO gene. While this variant is not anticipated to result in nonsense mediated decay, it likely alters RNA splicing and results in a disrupted protein product.

DBGen Ocular Genomics
Classification: Pathogenic for Retinitis pigmentosa 4. Last evaluated: 2021-06-21. Review status: criteria provided, single submitter. Criteria: ACMG Guidelines, 2015. Collection method: clinical testing. Allele origin: germline. Affected: yes. Observed: 1 variant allele.

Literature cited by the submitters: PubMed 17576681 (cited by Labcorp Genetics (formerly Invitae), Labcorp); PubMed 9536098 (cited by Labcorp Genetics (formerly Invitae), Labcorp); PubMed 7819178 (cited by Labcorp Genetics (formerly Invitae), Labcorp); PubMed 28045043 (cited by Labcorp Genetics (formerly Invitae), Labcorp).